The following is an entry in ClinVar:

NM_001374736.1(DST):c.5263G>C (p.Asp1755His)

Gene: DST (dystonin; minus strand). Cytogenetic location: 6p12.1.
Variant type: single nucleotide variant.
Coding change: c.5263G>C on transcript NM_001374736.1 (MANE Select); coding-DNA position 5263, G replaced by C.
Protein change: p.Asp1755His; replaces aspartic acid 1755 with histidine.
Molecular consequence: missense variant.
Genome position (GRCh38, 1-based): chr6:56,610,447, C>G on the plus strand (G>C on the coding strand, the complement: DST is on the minus strand). VCF-style: chr6-56610447-C-G. GRCh37 (hg19) VCF-style: chr6-56475245-C-G.
Other names: c.5164G>C, p.Asp1722His (NM_001144769.5); c.4750G>C, p.Asp1584His (NM_001144770.2); c.5263G>C, p.Asp1755His (NM_001374722.1); c.4630G>C, p.Asp1544His (NM_001374729.1, NM_001374730.1, NM_001386100.1 and 1 more transcripts); c.5290G>C, p.Asp1764His (NM_001374734.1); c.3652G>C, p.Asp1218His (NM_015548.5); short protein forms D1544H, D1755H, D1218H, D1764H, D1584H, D1722H.
Identifiers: ClinVar variation 2184839 (VCV002184839.4), dbSNP rs1245928033, ClinGen allele CA364561092.
Genomic context (GRCh38, chr6:56,610,447, plus strand): 5'-GCTTCTTGAAACAGCCTCATGTTTAAATAAATAATATTACCTTCTCCTCTACCTTTACAT[C>G]TCCTGAGGTTTGTGATTCTTGTAGCTGTTTCAGAGATTCACTGAATAATAAATTATAACT-3'
Protein context (NP_001361665.1, residues 1745-1765): KQLQESQTSG[Asp1755His]VKVEEKLDKV

ClinVar aggregate classification (germline): Uncertain significance (1 of 4 stars; one submission).

Conditions:
Epidermolysis bullosa simplex 3, localized or generalized intermediate, with BP230 deficiency (EBS3). Also called: Epidermolysis bullosa simplex due to BP230 deficiency; Epidermolysis bullosa simplex, autosomal recessive 2. Identifiers: Orphanet 412181, MedGen C3809470, MONDO:0014180, OMIM 615425.
Hereditary sensory and autonomic neuropathy type 6. Also called: Neuropathy, hereditary sensory and autonomic, type VI; HSAN VI. Identifiers: Orphanet 314381, MedGen C3539003, MONDO:0013839, OMIM 614653.

Allele frequency attached by ClinVar (database versions not stated): TOPMed below 0.00001; gnomAD 0.00001.
gnomAD v4.1: 2 of 1,563,034 alleles (0.00013%); highest among the groups gnomAD compares: East Asian, 0.0023%; no homozygotes.

Submission:

Labcorp Genetics (formerly Invitae), Labcorp
Classification: Uncertain significance for Epidermolysis bullosa simplex 3, localized or generalized intermediate, with BP230 deficiency; Hereditary sensory and autonomic neuropathy type 6. Last evaluated: 2022-02-07. Review status: criteria provided, single submitter. Criteria: Invitae Variant Classification Sherloc (09022015). Collection method: clinical testing. Allele origin: germline.
Comment: In summary, the available evidence is currently insufficient to determine the role of this variant in disease. Therefore, it has been classified as a Variant of Uncertain Significance. Experimental studies and prediction algorithms are not available or were not evaluated, and the functional significance of this variant is currently unknown. This variant has not been reported in the literature in individuals affected with DST-related conditions. This variant is present in population databases (no rsID available, gnomAD 0.06%). This sequence change replaces aspartic acid, which is acidic and polar, with histidine, which is basic and polar, at codon 1218 of the DST protein (p.Asp1218His). The DST gene has multiple clinically relevant transcripts. This variant occurs in alternate transcript NM_015548.4, and corresponds to NM_001723.5:c.*5070G>C in the primary transcript.